The following is an entry in ClinVar:

ClinVar aggregate classification (germline): Likely benign (0 of 4 stars; one submission).

Conditions:
MAF-related disorder. Also called: MAF-related condition.

Allele frequency attached by ClinVar (database versions not stated): TOPMed 0.00004; ExAC 0.00035; 1000 Genomes Project 30x 0.00094; 1000 Genomes Project 0.00100.
gnomAD v4.1: 573 of 1,612,114 alleles (0.036%); highest among the groups gnomAD compares: East Asian, 1.3%; 3 homozygotes.

Submission:

PreventionGenetics, part of Exact Sciences
Classification: Likely benign for MAF-related condition. Last evaluated: 2024-01-08. Review status: no assertion criteria provided. Collection method: clinical testing. Allele origin: germline.
Comment: This variant is classified as likely benign based on ACMG/AMP sequence variant interpretation guidelines (Richards et al. 2015 PMID: 25741868, with internal and published modifications).

NM_005360.5(MAF):c.240G>C (p.Ser80=)

Gene: MAF (MAF bZIP transcription factor; minus strand). Cytogenetic location: 16q23.2.
Variant type: single nucleotide variant.
Coding change: c.240G>C on transcript NM_005360.5 (MANE Select); coding-DNA position 240, G replaced by C.
Protein change: p.Ser80=; no amino-acid change (serine 80 retained).
Molecular consequence: synonymous variant.
Genome position (GRCh38, 1-based): chr16:79,599,663, C>G on the plus strand (G>C on the coding strand, the complement: MAF is on the minus strand). VCF-style: chr16-79599663-C-G. GRCh37 (hg19) VCF-style: chr16-79633560-C-G.
Other names: c.240G>C, p.Ser80= (NM_001031804.3).
Identifiers: ClinVar variation 3058270 (VCV003058270.2), dbSNP rs186864493, ClinGen allele CA8184079.
Genomic context (GRCh38, chr16:79,599,663, plus strand): 5'-CTGCTGCGGGTAGCCGGTCATCCAGTAGTAGTCTTCCAGGTGCGCCTTCTGCTCGCTGCC[C>G]GAGCCCGGGCTGGGCGCCGAGAAGCTGGGGGAAGGGGGCACCGAGCTGCACGGCGTGCTC-3'
Protein context (NP_005351.2, residues 70-90): SPSFSAPSPG[Ser80=]GSEQKAHLED